The following is an entry in ClinVar:

NM_152564.5(VPS13B):c.895G>A (p.Asp299Asn)

Gene: VPS13B (vacuolar protein sorting 13 homolog B; plus strand). Cytogenetic location: 8q22.2.
Variant type: single nucleotide variant.
Coding change: c.895G>A on transcript NM_152564.5 (MANE Select); coding-DNA position 895, G replaced by A.
Protein change: p.Asp299Asn; replaces aspartic acid 299 with asparagine.
Molecular consequence: missense variant. On other transcripts: non-coding transcript variant (1).
Genome position (GRCh38, 1-based): chr8:99,115,832, G>A. VCF-style: chr8-99115832-G-A. GRCh37 (hg19) VCF-style: chr8-100128060-G-A.
Other names: c.895G>A (NM_017890.3); c.895G>A, p.Asp299Asn (NM_015243.3, NM_017890.5, NM_181661.3); short protein forms D299N.
Identifiers: ClinVar variation 1923122 (VCV001923122.7), dbSNP rs758289182, ClinGen allele CA4822495.

ClinVar aggregate classification (germline): Uncertain significance. Review status: criteria provided, multiple submitters, no conflicts (2 of 4 stars). 3 submissions from 3 submitters: Uncertain significance (3). Last evaluated 2026-09-04.

Conditions:
VPS13B-related disorder. Also called: VPS13B-related condition.
Inborn genetic diseases. Identifiers: MedGen C0950123, MeSH D030342.
Cohen syndrome (COH1). Also called: PEPPER SYNDROME; Cutis verticis gyrata, retinitis pigmentosa, and sensorineural deafness. Identifiers: Orphanet 193, MedGen C0265223, MONDO:0008999, OMIM 216550.

Allele frequency attached by ClinVar (database versions not stated): gnomAD exomes below 0.00001; ExAC 0.00001.
gnomAD v4.1: 1 of 1,613,544 alleles (0.000062%); highest among the groups gnomAD compares: Admixed American, 0.0017%; no homozygotes.

Submissions (3):

PreventionGenetics, part of Exact Sciences
Classification: Uncertain significance for VPS13B-related condition. Last evaluated: 2026-09-04. Review status: criteria provided, single submitter. Criteria: ACMG Guidelines, 2015. Collection method: clinical testing. Allele origin: germline.
Comment: The VPS13B c.895G>A variant is predicted to result in the amino acid substitution p.Asp299Asn. To our knowledge, this variant has not been reported in the literature. This variant is reported in 0.0029% of alleles in individuals of Latino descent in gnomAD. At this time, the clinical significance of this variant is uncertain due to the absence of conclusive functional and genetic evidence.

Ambry Genetics
Classification: Uncertain significance for Inborn genetic diseases. Last evaluated: 2025-01-23. Review status: criteria provided, single submitter. Criteria: Ambry Variant Classification Scheme 2023. Collection method: clinical testing. Allele origin: germline.

Labcorp Genetics (formerly Invitae), Labcorp
Classification: Uncertain significance for Cohen syndrome. Last evaluated: 2023-08-24. Review status: criteria provided, single submitter. Criteria: Invitae Variant Classification Sherloc (09022015). Collection method: clinical testing. Allele origin: germline.
Comment: In summary, the available evidence is currently insufficient to determine the role of this variant in disease. Therefore, it has been classified as a Variant of Uncertain Significance. Advanced modeling of protein sequence and biophysical properties (such as structural, functional, and spatial information, amino acid conservation, physicochemical variation, residue mobility, and thermodynamic stability) performed at Invitae indicates that this missense variant is not expected to disrupt VPS13B protein function. ClinVar contains an entry for this variant (Variation ID: 1923122). This variant has not been reported in the literature in individuals affected with VPS13B-related conditions. The frequency data for this variant in the population databases is considered unreliable, as metrics indicate poor data quality at this position in the gnomAD database. This sequence change replaces aspartic acid, which is acidic and polar, with asparagine, which is neutral and polar, at codon 299 of the VPS13B protein (p.Asp299Asn).